The following is an entry in ClinVar:

NM_001048174.2(MUTYH):c.86del (p.Asn29fs)

Gene: MUTYH (mutY DNA glycosylase; minus strand). Cytogenetic location: 1p34.1.
Variant type: Deletion.
Coding change: c.86del on transcript NM_001048174.2 (MANE Select); coding-DNA position 86, one base deleted (A; older notation c.86delA).
Protein change: p.Asn29fs; shifts the reading frame from asparagine 29.
Molecular consequence: frameshift variant. On other transcripts: 5 prime UTR variant (7), non-coding transcript variant (7).
Genome position (GRCh38, 1-based): chr1:45,334,420, T deleted on the plus strand (A on the coding strand, the reverse complement: MUTYH is on the minus strand); the first of 2 consecutive T bases (chr1:45,334,420-45,334,421); deleting either gives the same sequence. VCF-style (leftmost placement, unchanged base first): chr1-45334419-GT-G. GRCh37 (hg19) VCF-style: chr1-45800091-GT-G.
Other names: c.86del, p.Asn29fs (NM_001048171.2, NM_001048172.2, NM_001048173.2 and 15 more transcripts); c.128del, p.Asn43fs (NM_001128425.2, NM_001293190.2, NM_001407069.1 and 2 more transcripts); c.-127del (NM_001293192.2, NM_001293196.2, NM_001407091.1); c.-186del (NM_001350650.2); c.-122del (NM_001350651.2, NM_001407082.1); c.-71del (NM_001407075.1); c.104del, p.Asn35fs (NM_001407087.1); short protein forms N29fs, N35fs, N43fs.
Identifiers: ClinVar variation 3379255 (VCV003379255.1).
Genomic context (GRCh38, chr1:45,334,419, plus strand): 5'-AATGAGCCTTGGGCCACAACCTAGTTCCTTACCATCACAGGCAGAAGGCTTGGCCTGACT[GT>G]TGTTCTTAGCATGCTTCTGCCTCCCTTCCTGGCTGGCTGCCTGCTTCCTGTGACCACTTC-3'

ClinVar aggregate classification (germline): Pathogenic (1 of 4 stars; one submission).

Conditions:
Familial adenomatous polyposis 2. Also called: FAP type 2; COLORECTAL ADENOMATOUS POLYPOSIS, AUTOSOMAL RECESSIVE; ADENOMAS, MULTIPLE COLORECTAL, AUTOSOMAL RECESSIVE; MUTYH-associated polyposis; MUTYH-related attenuated familial adenomatous polyposis; MYH-associated polyposis. Identifiers: Orphanet 220460, Orphanet 247798, MedGen C3272841, MONDO:0012041, OMIM 608456.

Submission:

Myriad Genetics, Inc.
Classification: Pathogenic for Familial adenomatous polyposis 2. Last evaluated: 2024-07-26. Review status: criteria provided, single submitter. Criteria: Myriad Autosomal Dominant, Autosomal Recessive and X-Linked Classification Criteria (2023). Collection method: clinical testing. Allele origin: unknown.
Comment: This variant is considered pathogenic. This variant creates a frameshift predicted to result in premature protein truncation.